The following is an entry in ClinVar:

ClinVar aggregate classification (germline): Conflicting classifications of pathogenicity. Review status: criteria provided, conflicting classifications (1 of 4 stars). 4 submissions from 4 submitters: Uncertain significance (3); Likely benign (1). Last evaluated 2025-08-24.

Conditions:
Hereditary cancer-predisposing syndrome. Also called: Hereditary neoplastic syndrome; Neoplastic Syndromes, Hereditary; Tumor predisposition; Hereditary Cancer Syndrome. Identifiers: Orphanet 140162, MedGen C0027672, MeSH D009386, MONDO:0015356.
Rhabdoid tumor predisposition syndrome 2 (RTPS2). Identifiers: Orphanet 231108, Orphanet 69077, MedGen C2750074, MONDO:0013224, OMIM 613325.

Allele frequency attached by ClinVar (database versions not stated): TOPMed below 0.00001; gnomAD 0.00001.
gnomAD v4.1: 1 of 1,614,008 alleles (0.000062%); highest among the groups gnomAD compares: Admixed American, 0.0017%; no homozygotes.

Submissions (4):

Labcorp Genetics (formerly Invitae), Labcorp
Classification: Uncertain significance for Rhabdoid tumor predisposition syndrome 2. Last evaluated: 2025-08-24. Review status: criteria provided, single submitter. Criteria: Invitae Variant Classification Sherloc (09022015). Collection method: clinical testing. Allele origin: germline.
Comment: This sequence change replaces lysine, which is basic and polar, with arginine, which is basic and polar, at codon 744 of the SMARCA4 protein (p.Lys744Arg). This variant is not present in population databases (gnomAD no frequency). This variant has not been reported in the literature in individuals affected with SMARCA4-related conditions. ClinVar contains an entry for this variant (Variation ID: 470292). Invitae Evidence Modeling of protein sequence and biophysical properties (such as structural, functional, and spatial information, amino acid conservation, physicochemical variation, residue mobility, and thermodynamic stability) has been performed for this missense variant. However, the output from this modeling did not meet the statistical confidence thresholds required to predict the impact of this variant on SMARCA4 protein function. In summary, the available evidence is currently insufficient to determine the role of this variant in disease. Therefore, it has been classified as a Variant of Uncertain Significance.

Ambry Genetics
Classification: Likely benign for Hereditary cancer-predisposing syndrome. Last evaluated: 2025-08-01. Review status: criteria provided, single submitter. Criteria: Ambry Variant Classification Scheme 2023. Collection method: clinical testing. Allele origin: germline.

Baylor Genetics
Classification: Uncertain significance for Rhabdoid tumor predisposition syndrome 2. Last evaluated: 2023-09-11. Review status: criteria provided, single submitter. Criteria: ACMG Guidelines, 2015. Collection method: clinical testing. Allele origin: unknown.

GeneDx
Classification: Uncertain significance. Last evaluated: 2022-01-04. Review status: criteria provided, single submitter. Criteria: GeneDx Variant Classification Process June 2021. Collection method: clinical testing. Allele origin: germline. Affected: yes.
Comment: In silico analysis supports that this missense variant does not alter protein structure/function; Has not been previously published as pathogenic or benign to our knowledge

NM_003072.5(SMARCA4):c.2231A>G (p.Lys744Arg)

Gene: SMARCA4 (SWI/SNF related BAF chromatin remodeling complex subunit ATPase 4; plus strand). Cytogenetic location: 19p13.2.
Variant type: single nucleotide variant.
Coding change: c.2231A>G on transcript NM_003072.5 (MANE Select); coding-DNA position 2231, A replaced by G.
Protein change: p.Lys744Arg; replaces lysine 744 with arginine.
Molecular consequence: missense variant. On other transcripts: non-coding transcript variant (1).
Genome position (GRCh38, 1-based): chr19:11,010,488, A>G. VCF-style: chr19-11010488-A-G. GRCh37 (hg19) VCF-style: chr19-11121164-A-G.
Other names: c.2231A>G, p.Lys744Arg (NM_001128844.3, NM_001128845.2, NM_001128846.2 and 5 more transcripts); short protein forms K744R.
Identifiers: ClinVar variation 470292 (VCV000470292.17), dbSNP rs1291938544, ClinGen allele CA404052884.